The following is an entry in ClinVar:

NM_007294.4(BRCA1):c.2598_2601dup (p.Ser868fs)

Gene: BRCA1 (BRCA1 DNA repair associated; minus strand). Cytogenetic location: 17q21.31.
Variant type: Duplication.
Coding change: c.2598_2601dup on transcript NM_007294.4 (MANE Select); coding-DNA positions 2598 to 2601, 4 bases duplicated (CCAG; older notation c.2598_2601dupCCAG).
Protein change: p.Ser868fs; shifts the reading frame from serine 868.
Molecular consequence: frameshift variant. On other transcripts: intron variant (137).
Genome position (GRCh38, 1-based): chr17:43,092,930-43,092,933, CTGG duplicated on the plus strand (CCAG on the coding strand, the reverse complement: BRCA1 is on the minus strand); duplicating any 4 consecutive bases within chr17:43,092,930-43,092,934 gives the same sequence; the c. name uses the placement nearest the transcript's 3' end. VCF-style (leftmost placement, unchanged base first): chr17-43092929-A-ACTGG. GRCh37 (hg19) VCF-style: chr17-41244946-A-ACTGG.
Other names: c.2385_2388dup, p.Ser797fs (NM_001407571.1, NM_001407853.1, NM_001407894.1 and 9 more transcripts); c.2598_2601dup, p.Ser868fs (NM_001407581.1, NM_001407582.1, NM_001407583.1 and 30 more transcripts); c.2595_2598dup, p.Ser867fs (NM_001407587.1, NM_001407590.1, NM_001407591.1 and 22 more transcripts); c.2589_2592dup, p.Ser865fs (NM_001407646.1, NM_001407647.1); c.2475_2478dup, p.Ser827fs (NM_001407648.1, NM_001407664.1, NM_001407665.1 and 19 more transcripts); c.2472_2475dup, p.Ser826fs (NM_001407649.1, NM_001407670.1, NM_001407671.1 and 11 more transcripts); c.2520_2523dup, p.Ser842fs (NM_001407653.1, NM_001407654.1, NM_001407655.1 and 4 more transcripts); c.2517_2520dup, p.Ser841fs (NM_001407659.1, NM_001407660.1, NM_001407661.1 and 1 more transcripts); and 42 more; short protein forms S572fs, S700fs, S741fs, S756fs, S780fs, S797fs, S801fs, S821fs.
Identifiers: ClinVar variation 3481813 (VCV003481813.1).

ClinVar aggregate classification (germline): Pathogenic (1 of 4 stars; one submission).

Conditions:
Hereditary cancer-predisposing syndrome. Also called: Tumor predisposition; Neoplastic Syndromes, Hereditary; Hereditary Cancer Syndrome; Hereditary neoplastic syndrome. Identifiers: Orphanet 140162, MedGen C0027672, MeSH D009386, MONDO:0015356.

Submission:

Ambry Genetics
Classification: Pathogenic for Hereditary cancer-predisposing syndrome. Last evaluated: 2024-06-26. Review status: criteria provided, single submitter. Criteria: Ambry Variant Classification Scheme 2023. Collection method: clinical testing. Allele origin: germline.
Comment: The c.2598_2601dupCCAG pathogenic mutation, located in coding exon 9 of the BRCA1 gene, results from a duplication of CCAG at nucleotide positions 2598 to 2601, causing a translational frameshift with a predicted alternate stop codon (p.S868Pfs*36). This variant is considered to be rare based on population cohorts in the Genome Aggregation Database (gnomAD). This alteration is expected to result in loss of function by premature protein truncation or nonsense-mediated mRNA decay. As such, this alteration is interpreted as a disease-causing mutation.